The following is an entry in ClinVar:

ClinVar aggregate classification (germline): Uncertain significance (1 of 4 stars; one submission).

Allele frequency attached by ClinVar (database versions not stated): gnomAD exomes below 0.00001.
gnomAD v4.1: 4 of 1,614,172 alleles (0.00025%); highest among the groups gnomAD compares: Non-Finnish European, 0.00034%; no homozygotes.

Submission:

GeneDx
Classification: Uncertain significance. Last evaluated: 2021-12-23. Review status: criteria provided, single submitter. Criteria: GeneDx Variant Classification Process June 2021. Collection method: clinical testing. Allele origin: germline. Affected: yes.
Comment: Not observed at significant frequency in large population cohorts (gnomAD); In silico analysis supports that this missense variant does not alter protein structure/function; Has not been previously published as pathogenic or benign to our knowledge

NM_207361.6(FREM2):c.4474A>G (p.Ile1492Val)

Gene: FREM2 (FRAS1 related extracellular matrix 2; plus strand). Cytogenetic location: 13q13.3.
Variant type: single nucleotide variant.
Coding change: c.4474A>G on transcript NM_207361.6 (MANE Select); coding-DNA position 4474, A replaced by G.
Protein change: p.Ile1492Val; replaces isoleucine 1492 with valine.
Molecular consequence: missense variant.
Genome position (GRCh38, 1-based): chr13:38,691,818, A>G. VCF-style: chr13-38691818-A-G. GRCh37 (hg19) VCF-style: chr13-39265955-A-G.
Other names: short protein forms I1492V.
Identifiers: ClinVar variation 1696950 (VCV001696950.2), dbSNP rs2138071590, ClinGen allele CA387893201.
Genomic context (GRCh38, chr13:38,691,818, plus strand): 5'-ACGGATCAGCCTGGTGTGTCCATCACGTCTTTCACTCAGCTGCAACTGGCTGGAAACAAA[A>G]TCTACTACATCCACACAGCTGATGATGAAGTGAAAATGGACAGTTTTGAGTTTCAAGTCA-3'
Protein context (NP_997244.4, residues 1482-1502): FTQLQLAGNK[Ile1492Val]YYIHTADDEV